The following is an entry in ClinVar:

ClinVar aggregate classification (germline): Uncertain significance (1 of 4 stars; one submission).

Conditions:
Osteogenesis imperfecta type 7 (OI7). Also called: OI type 7; OI type VII; OSTEOGENESIS IMPERFECTA, TYPE IIB; Osteogenesis imperfecta type 2B; OI type 2B; Osteogenesis imperfecta, perinatal lethal autosomal recessive. Identifiers: MedGen C1853162, MONDO:0012536, OMIM 610682.

Allele frequency attached by ClinVar (database versions not stated): gnomAD exomes below 0.00001.
gnomAD v4.1: 2 of 1,590,852 alleles (0.00013%); highest among the groups gnomAD compares: Non-Finnish European, 0.00017%; no homozygotes.

Submission:

Labcorp Genetics (formerly Invitae), Labcorp
Classification: Uncertain significance for Osteogenesis imperfecta type 7. Last evaluated: 2022-04-18. Review status: criteria provided, single submitter. Criteria: Invitae Variant Classification Sherloc (09022015). Collection method: clinical testing. Allele origin: germline.
Comment: This sequence change replaces tyrosine, which is neutral and polar, with histidine, which is basic and polar, at codon 55 of the CRTAP protein (p.Tyr55His). This variant is not present in population databases (gnomAD no frequency). This variant has not been reported in the literature in individuals affected with CRTAP-related conditions. Algorithms developed to predict the effect of missense changes on protein structure and function are either unavailable or do not agree on the potential impact of this missense change (SIFT: "Deleterious"; PolyPhen-2: "Probably Damaging"; Align-GVGD: "Class C0"). In summary, the available evidence is currently insufficient to determine the role of this variant in disease. Therefore, it has been classified as a Variant of Uncertain Significance.

NM_006371.5(CRTAP):c.163T>C (p.Tyr55His)

Gene: CRTAP (cartilage associated protein; plus strand). Cytogenetic location: 3p22.3.
Variant type: single nucleotide variant.
Coding change: c.163T>C on transcript NM_006371.5 (MANE Select); coding-DNA position 163, T replaced by C.
Protein change: p.Tyr55His; replaces tyrosine 55 with histidine.
Molecular consequence: missense variant.
Genome position (GRCh38, 1-based): chr3:33,114,240, T>C. VCF-style: chr3-33114240-T-C. GRCh37 (hg19) VCF-style: chr3-33155732-T-C.
Other names: c.163T>C, p.Tyr55His (NM_001393363.1, NM_001393364.1, NM_001393365.1); short protein forms Y55H.
Identifiers: ClinVar variation 2059657 (VCV002059657.1), dbSNP rs779938681, ClinGen allele CA2300216.